The following is an entry in ClinVar:

NM_203446.3(SYNJ1):c.290G>A (p.Arg97Gln)

Gene: SYNJ1 (synaptojanin 1; minus strand). Cytogenetic location: 21q22.11.
Variant type: single nucleotide variant.
Coding change: c.290G>A on transcript NM_203446.3 (MANE Select); coding-DNA position 290, G replaced by A.
Protein change: p.Arg97Gln; replaces arginine 97 with glutamine.
Molecular consequence: missense variant.
Genome position (GRCh38, 1-based): chr21:32,700,027, C>T on the plus strand (G>A on the coding strand, the complement: SYNJ1 is on the minus strand). VCF-style: chr21-32700027-C-T. GRCh37 (hg19) VCF-style: chr21-34072337-C-T.
Other names: c.290G>A, p.Arg97Gln (NM_001160302.2, NM_001160306.2); c.407G>A, p.Arg136Gln (NM_003895.4); short protein forms R136Q, R97Q.
Identifiers: ClinVar variation 1422639 (VCV001422639.6), dbSNP rs758406227, ClinGen allele CA10004160.

ClinVar aggregate classification (germline): Uncertain significance. Review status: criteria provided, multiple submitters, no conflicts (2 of 4 stars). 2 submissions from 2 submitters: Uncertain significance (2). Last evaluated 2024-03-07.

Conditions:
Inborn genetic diseases. Identifiers: MedGen C0950123, MeSH D030342.
Developmental and epileptic encephalopathy, 53. Also called: Epileptic encephalopathy, early infantile, 53. Identifiers: MedGen C4479313, MONDO:0033362, OMIM 617389.
Early-onset Parkinson disease 20. Also called: PARKINSON DISEASE 20, AUTOSOMAL RECESSIVE EARLY-ONSET. Identifiers: Orphanet 391411, MedGen C3809824, MONDO:0014233, OMIM 615530.

Allele frequency attached by ClinVar (database versions not stated): gnomAD 0.00001; gnomAD exomes 0.00001; TOPMed 0.00001; ExAC 0.00002.

Submissions (2):

Ambry Genetics
Classification: Uncertain significance for Inborn genetic diseases. Last evaluated: 2024-03-07. Review status: criteria provided, single submitter. Criteria: Ambry Variant Classification Scheme 2023. Collection method: clinical testing. Allele origin: germline.

Labcorp Genetics (formerly Invitae), Labcorp
Classification: Uncertain significance for Developmental and epileptic encephalopathy, 53; Early-onset Parkinson disease 20. Last evaluated: 2023-12-11. Review status: criteria provided, single submitter. Criteria: Invitae Variant Classification Sherloc (09022015). Collection method: clinical testing. Allele origin: germline.
Comment: This sequence change replaces arginine, which is basic and polar, with glutamine, which is neutral and polar, at codon 136 of the SYNJ1 protein (p.Arg136Gln). This variant is present in population databases (rs758406227, gnomAD 0.003%). This variant has not been reported in the literature in individuals affected with SYNJ1-related conditions. ClinVar contains an entry for this variant (Variation ID: 1422639). Advanced modeling of protein sequence and biophysical properties (such as structural, functional, and spatial information, amino acid conservation, physicochemical variation, residue mobility, and thermodynamic stability) performed at Invitae indicates that this missense variant is expected to disrupt SYNJ1 protein function with a positive predictive value of 80%. In summary, the available evidence is currently insufficient to determine the role of this variant in disease. Therefore, it has been classified as a Variant of Uncertain Significance.